The following is an entry in ClinVar:

ClinVar aggregate classification (germline): Uncertain significance. Review status: criteria provided, multiple submitters, no conflicts (2 of 4 stars). 2 submissions from 2 submitters: Uncertain significance (2). Last evaluated 2025-04-01.

Conditions:
Inborn genetic diseases. Identifiers: MedGen C0950123, MeSH D030342.

Allele frequency attached by ClinVar (database versions not stated): ExAC 0.00003; gnomAD exomes 0.00005; gnomAD 0.00006; TOPMed 0.00006; ESP Exome Variant Server 0.00015.
gnomAD v4.1: 78 of 1,612,528 alleles (0.0048%); highest among the groups gnomAD compares: Middle Eastern, 0.016%; no homozygotes.

Submissions (2):

Ambry Genetics
Classification: Uncertain significance for Inborn genetic diseases. Last evaluated: 2025-04-01. Review status: criteria provided, single submitter. Criteria: Ambry Variant Classification Scheme 2023. Collection method: clinical testing. Allele origin: germline.

Labcorp Genetics (formerly Invitae), Labcorp
Classification: Uncertain significance. Last evaluated: 2024-08-23. Review status: criteria provided, single submitter. Criteria: Invitae Variant Classification Sherloc (09022015). Collection method: clinical testing. Allele origin: germline.
Comment: This sequence change replaces tyrosine, which is neutral and polar, with histidine, which is basic and polar, at codon 732 of the PLG protein (p.Tyr732His). This variant is present in population databases (rs145177652, gnomAD 0.006%). This variant has not been reported in the literature in individuals affected with PLG-related conditions. Invitae Evidence Modeling of protein sequence and biophysical properties (such as structural, functional, and spatial information, amino acid conservation, physicochemical variation, residue mobility, and thermodynamic stability) indicates that this missense variant is not expected to disrupt PLG protein function with a negative predictive value of 80%. In summary, the available evidence is currently insufficient to determine the role of this variant in disease. Therefore, it has been classified as a Variant of Uncertain Significance.

NM_000301.5(PLG):c.2194T>C (p.Tyr732His)

Gene: PLG (plasminogen; plus strand). Cytogenetic location: 6q26.
Variant type: single nucleotide variant.
Coding change: c.2194T>C on transcript NM_000301.5 (MANE Select); coding-DNA position 2194, T replaced by C.
Protein change: p.Tyr732His; replaces tyrosine 732 with histidine.
Molecular consequence: missense variant.
Genome position (GRCh38, 1-based): chr6:160,752,183, T>C. VCF-style: chr6-160752183-T-C. GRCh37 (hg19) VCF-style: chr6-161173215-T-C.
Other names: short protein forms Y732H.
Identifiers: ClinVar variation 2885143 (VCV002885143.4), dbSNP rs145177652, ClinGen allele CA4088025.
Genomic context (GRCh38, chr6:160,752,183, plus strand): 5'-GGAGCTGGCCTTCTCAAGGAAGCCCAGCTCCCTGTGATTGAGAATAAAGTGTGCAATCGC[T>C]ATGAGTTTCTGAATGGAAGAGTCCAATCCACCGAACTCTGTGCTGGGCATTTGGCCGGAG-3'
Protein context (NP_000292.1, residues 722-742): PVIENKVCNR[Tyr732His]EFLNGRVQST